The following is an entry in ClinVar:

ClinVar aggregate classification (germline): Benign/Likely benign. Review status: criteria provided, multiple submitters, no conflicts (2 of 4 stars). 4 submissions from 4 submitters: Benign (2); Likely benign (2). Last evaluated 2026-02-01.

Allele frequency attached by ClinVar (database versions not stated): gnomAD exomes 0.00018 and 0.00050; ExAC 0.00053; 1000 Genomes Project 30x 0.00078; 1000 Genomes Project 0.00080; gnomAD 0.00135 and 0.00145; TOPMed 0.00170; ESP Exome Variant Server 0.00208.
gnomAD v4.1: 476 of 1,607,404 alleles (0.03%); highest among the groups gnomAD compares: African/African-American, 0.45%; 1 homozygote.

Submissions (4):

CeGaT Center for Human Genetics Tuebingen
Classification: Likely benign. Last evaluated: 2026-02-01. Review status: criteria provided, single submitter. Criteria: CeGaT Center For Human Genetics Tuebingen Variant Classification Criteria Version 2. Collection method: clinical testing. Allele origin: germline. Affected: yes. Observed: 3 variant alleles.
Comment: SPTBN2: BP4, BP7

Labcorp Genetics (formerly Invitae), Labcorp
Classification: Benign. Last evaluated: 2025-05-16. Review status: criteria provided, single submitter. Criteria: Invitae Variant Classification Sherloc (09022015). Collection method: clinical testing. Allele origin: germline.

Blueprint Genetics
Classification: Likely benign. Last evaluated: 2024-06-11. Review status: criteria provided, single submitter. Criteria: ACMG Guidelines, 2015. Collection method: clinical testing. Allele origin: germline.

Breakthrough Genomics
Classification: Benign. Review status: criteria provided, single submitter. Criteria: ACMG Guidelines, 2015. Collection method: not provided. Allele origin: germline. Inheritance: Autosomal recessive inheritance. Affected: yes.

NM_006946.4(SPTBN2):c.3111C>T (p.Asn1037=)

Gene: SPTBN2 (spectrin beta, non-erythrocytic 2; minus strand). Cytogenetic location: 11q13.2.
Variant type: single nucleotide variant.
Coding change: c.3111C>T on transcript NM_006946.4 (MANE Select); coding-DNA position 3111, C replaced by T.
Protein change: p.Asn1037=; no amino-acid change (asparagine 1037 retained).
Molecular consequence: synonymous variant.
Genome position (GRCh38, 1-based): chr11:66,700,988, G>A on the plus strand (C>T on the coding strand, the complement: SPTBN2 is on the minus strand). VCF-style: chr11-66700988-G-A. GRCh37 (hg19) VCF-style: chr11-66468459-G-A.
Identifiers: ClinVar variation 744591 (VCV000744591.34), dbSNP rs149124496, ClinGen allele CA6128934.
Genomic context (GRCh38, chr11:66,700,988, plus strand): 5'-TCGACGCCGCATGGTGGCCCTGAGGTCCTCCCAGCCGGTCTGCACCTCTCTCAGCCGGGC[G>A]TTGATGGCCACTGCCTGAGCGGGATGGCCGGCAGCCAGGGCATTTGCCTCTCGAGTCAGT-3'
Protein context (NP_008877.2, residues 1027-1047): AGHPAQAVAI[Asn1037=]ARLREVQTGW